The following is an entry in ClinVar:

ClinVar aggregate classification (germline): Uncertain significance (1 of 4 stars; one submission).

Conditions:
Aortic aneurysm, familial thoracic 7 (AAT7). Also called: AORTIC DISSECTION, FAMILIAL, WITH OR WITHOUT AORTIC ANEURYSM. Identifiers: MedGen C3151077, MONDO:0013418, OMIM 613780.

gnomAD v4.1: 2 of 1,613,824 alleles (0.00012%); highest among the groups gnomAD compares: Non-Finnish European, 0.00017%; no homozygotes.

Submission:

Labcorp Genetics (formerly Invitae), Labcorp
Classification: Uncertain significance for Aortic aneurysm, familial thoracic 7. Last evaluated: 2025-12-10. Review status: criteria provided, single submitter. Criteria: Invitae Variant Classification Sherloc (09022015). Collection method: clinical testing. Allele origin: germline.
Comment: This sequence change replaces isoleucine, which is neutral and non-polar, with leucine, which is neutral and non-polar, at codon 155 of the MYLK protein (p.Ile155Leu). This variant is not present in population databases (gnomAD no frequency). This missense change has been observed in individual(s) with clinical features of MYLK-related conditions (internal data). ClinVar contains an entry for this variant (Variation ID: 409708). Invitae Evidence Modeling of protein sequence and biophysical properties (such as structural, functional, and spatial information, amino acid conservation, physicochemical variation, residue mobility, and thermodynamic stability) indicates that this missense variant is not expected to disrupt MYLK protein function with a negative predictive value of 95%. In summary, the available evidence is currently insufficient to determine the role of this variant in disease. Therefore, it has been classified as a Variant of Uncertain Significance.

NM_053025.4(MYLK):c.463A>C (p.Ile155Leu)

Gene: MYLK (myosin light chain kinase; minus strand). Cytogenetic location: 3q21.1.
Variant type: single nucleotide variant.
Coding change: c.463A>C on transcript NM_053025.4 (MANE Select); coding-DNA position 463, A replaced by C.
Protein change: p.Ile155Leu; replaces isoleucine 155 with leucine.
Molecular consequence: missense variant. On other transcripts: 5 prime UTR variant (1).
Genome position (GRCh38, 1-based): chr3:123,739,022, T>G on the plus strand (A>C on the coding strand, the complement: MYLK is on the minus strand). VCF-style: chr3-123739022-T-G. GRCh37 (hg19) VCF-style: chr3-123457869-T-G.
Other names: c.-66A>C (NM_001321309.2); c.463A>C, p.Ile155Leu (NM_053026.4, NM_053027.4, NM_053028.4); short protein forms I155L.
Identifiers: ClinVar variation 409708 (VCV000409708.8), dbSNP rs368775754, ClinGen allele CA16611339.